The following is an entry in ClinVar:

NM_001018005.2(TPM1):c.196G>A (p.Asp66Asn)

Gene: TPM1 (tropomyosin 1; plus strand). Cytogenetic location: 15q22.2.
Variant type: single nucleotide variant.
Coding change: c.196G>A on transcript NM_001018005.2 (MANE Select); coding-DNA position 196, G replaced by A.
Protein change: p.Asp66Asn; replaces aspartic acid 66 with asparagine.
Molecular consequence: missense variant. On other transcripts: intron variant (3).
Genome position (GRCh38, 1-based): chr15:63,044,108, G>A. VCF-style: chr15-63044108-G-A. GRCh37 (hg19) VCF-style: chr15-63336307-G-A.
Other names: c.196G>A, p.Asp66Asn (NM_000366.6, NM_001018004.2, NM_001018006.2 and 3 more transcripts); c.322G>A, p.Asp108Asn (NM_001365778.1); c.240+277G>A (NM_001018020.2, NM_001018007.2, NM_001301244.2); short protein forms D108N, D66N.
Identifiers: ClinVar variation 952845 (VCV000952845.9), dbSNP rs2031866819, ClinGen allele CA392718652.

ClinVar aggregate classification (germline): Uncertain significance (1 of 4 stars; one submission).

Conditions:
Hypertrophic cardiomyopathy. Also called: HYPERTROPHIC MYOCARDIOPATHY. Identifiers: Orphanet 217569, MedGen C0007194, MeSH D002312, MONDO:0005045, HP:0001639.

Submission:

Labcorp Genetics (formerly Invitae), Labcorp
Classification: Uncertain significance for Hypertrophic cardiomyopathy. Last evaluated: 2019-06-14. Review status: criteria provided, single submitter. Criteria: Invitae Variant Classification Sherloc (09022015). Collection method: clinical testing. Allele origin: germline.
Comment: In summary, the available evidence is currently insufficient to determine the role of this variant in disease. Therefore, it has been classified as a Variant of Uncertain Significance. Algorithms developed to predict the effect of missense changes on protein structure and function (SIFT, PolyPhen-2, Align-GVGD) all suggest that this variant is likely to be tolerated, but these predictions have not been confirmed by published functional studies and their clinical significance is uncertain. This variant has not been reported in the literature in individuals with TPM1-related conditions. This variant is not present in population databases (ExAC no frequency). This sequence change replaces aspartic acid with asparagine at codon 66 of the TPM1 protein (p.Asp66Asn). The aspartic acid residue is weakly conserved and there is a small physicochemical difference between aspartic acid and asparagine.